The following is an entry in ClinVar:

NM_001256447.2(BCAP31):c.-44-377G>A

Gene: BCAP31 (B cell receptor associated protein 31; minus strand). Cytogenetic location: Xq28.
Variant type: single nucleotide variant.
Coding change: c.-44-377G>A on transcript NM_001256447.2 (MANE Select); 377 bases into the intron before 44 bases upstream of the start codon, G replaced by A.
Molecular consequence: intron variant. On other transcripts: 5 prime UTR variant (1).
Genome position (GRCh38, 1-based): chrX:153,723,665, C>T on the plus strand (G>A on the coding strand, the complement: BCAP31 is on the minus strand). VCF-style: chrX-153723665-C-T. GRCh37 (hg19) VCF-style: chrX-152989120-C-T.
Other names: c.-1G>A (NM_001139457.2); c.-44-377G>A (NM_005745.8); c.-45+351G>A (NM_001139441.1).
Identifiers: ClinVar variation 2661712 (VCV002661712.25), dbSNP rs782688987, ClinGen allele CA10549881.

ClinVar aggregate classification (germline): Likely benign. Review status: criteria provided, multiple submitters, no conflicts (2 of 4 stars). 3 submissions from 3 submitters: Likely benign (2). 1 of the submissions does not count toward it. Last evaluated 2024-10-16.

Conditions:
BCAP31-related disorder. Also called: BCAP31-related condition.

Allele frequency attached by ClinVar (database versions not stated): 1000 Genomes Project 30x 0.00021; gnomAD 0.00039; TOPMed 0.00049; gnomAD exomes 0.00058; ExAC 0.00118.

Submissions (3):

Blueprint Genetics
Classification: Likely benign. Last evaluated: 2024-10-16. Review status: criteria provided, single submitter. Criteria: ACMG Guidelines, 2015. Collection method: clinical testing. Allele origin: germline.

CeGaT Center for Human Genetics Tuebingen
Classification: Likely benign. Last evaluated: 2023-03-01. Review status: criteria provided, single submitter. Criteria: CeGaT Center For Human Genetics Tuebingen Variant Classification Criteria Version 2. Collection method: clinical testing. Allele origin: germline. Affected: yes. Observed: 2 variant alleles.
Comment: BCAP31: BP4, BS2

PreventionGenetics, part of Exact Sciences
Classification: Likely benign for BCAP31-related condition. Last evaluated: 2024-08-16. Review status: no assertion criteria provided. Collection method: clinical testing. Allele origin: germline. Not counted in ClinVar's aggregate classification.
Comment: This variant is classified as likely benign based on ACMG/AMP sequence variant interpretation guidelines (Richards et al. 2015 PMID: 25741868, with internal and published modifications).